The following is an entry in ClinVar:

NM_000674.3(ADORA1):c.635A>G (p.Asn212Ser)

Gene: ADORA1 (adenosine A1 receptor; plus strand). Cytogenetic location: 1q32.1.
Variant type: single nucleotide variant.
Coding change: c.635A>G on transcript NM_000674.3 (MANE Select); coding-DNA position 635, A replaced by G.
Protein change: p.Asn212Ser; replaces asparagine 212 with serine.
Molecular consequence: missense variant.
Genome position (GRCh38, 1-based): chr1:203,165,554, A>G. VCF-style: chr1-203165554-A-G. GRCh37 (hg19) VCF-style: chr1-203134682-A-G.
Other names: p.Asn212Ser; c.635A>G, p.Asn212Ser (NM_001048230.2); c.431A>G, p.Asn144Ser (NM_001365065.1); c.287A>G, p.Asn96Ser (NM_001365066.1); short protein forms N144S, N212S, N96S.
Identifiers: ClinVar variation 3046184 (VCV003046184.3), dbSNP rs75070458, ClinGen allele CA1338454.

ClinVar aggregate classification (germline): Likely benign. Review status: criteria provided, single submitter (1 of 4 stars). 2 submissions from 2 submitters: Likely benign (1). 1 of the submissions does not count toward it. Last evaluated 2025-09-16.

Conditions:
ADORA1-related disorder. Also called: ADORA1-related condition.

Allele frequency attached by ClinVar (database versions not stated): gnomAD 0.00201; ESP Exome Variant Server 0.00215; ExAC 0.00127; 1000 Genomes Project 0.00140; TOPMed 0.00221; 1000 Genomes Project 30x 0.00125; gnomAD exomes 0.00229.

Submissions (2):

Mayo Clinic Laboratories, Mayo Clinic
Classification: Likely benign. Last evaluated: 2025-09-16. Review status: criteria provided, single submitter. Criteria: ACMG Guidelines, 2015. Collection method: clinical testing. Allele origin: germline. Observed: 1 variant allele.
Comment: BS2, BP4_moderate

PreventionGenetics, part of Exact Sciences
Classification: Likely benign for ADORA1-related condition. Last evaluated: 2023-05-09. Review status: no assertion criteria provided. Collection method: clinical testing. Allele origin: germline. Not counted in ClinVar's aggregate classification.
Comment: This variant is classified as likely benign based on ACMG/AMP sequence variant interpretation guidelines (Richards et al. 2015 PMID: 25741868, with internal and published modifications).